The following is an entry in ClinVar:

NM_152564.5(VPS13B):c.11181_11215+10del

Gene: VPS13B (vacuolar protein sorting 13 homolog B; plus strand). Cytogenetic location: 8q22.2.
Variant type: Deletion.
Coding change: c.11181_11215+10del on transcript NM_152564.5 (MANE Select); coding-DNA position 11181 through 10 bases into the intron after coding-DNA position 11215, 45 bases deleted.
Molecular consequence: splice donor variant.
Genome position (GRCh38, 1-based): chr8:99,861,912-99,861,956, 45 bases deleted. GRCh37 (hg19): chr8:100,874,140-100,874,184.
Other names: c.11256_11290+10del (NM_017890.5).
Identifiers: ClinVar variation 2018166 (VCV002018166.4), dbSNP rs1437851867, ClinGen allele CA857605273.

ClinVar aggregate classification (germline): Likely pathogenic (1 of 4 stars; one submission).

Conditions:
Cohen syndrome (COH1). Also called: Cutis verticis gyrata, retinitis pigmentosa, and sensorineural deafness; PEPPER SYNDROME. Identifiers: Orphanet 193, MedGen C0265223, MONDO:0008999, OMIM 216550.

Allele frequency attached by ClinVar (database versions not stated): TOPMed below 0.00001; gnomAD 0.00001.

Submission:

Labcorp Genetics (formerly Invitae), Labcorp
Classification: Likely pathogenic for Cohen syndrome. Last evaluated: 2025-02-23. Review status: criteria provided, single submitter. Criteria: Invitae Variant Classification Sherloc (09022015). Collection method: clinical testing. Allele origin: germline.
Comment: This variant results in the deletion of part of exon 58 (c.11256_11290+10del) of the VPS13B gene. It is expected to disrupt RNA splicing. Variants that disrupt the donor or acceptor splice site typically lead to a loss of protein function (PMID: 16199547), and loss-of-function variants in VPS13B are known to be pathogenic (PMID: 15141358, 16648375, 20461111). This variant is not present in population databases (gnomAD no frequency). This variant has not been reported in the literature in individuals affected with VPS13B-related conditions. ClinVar contains an entry for this variant (Variation ID: 2018166). In summary, the currently available evidence indicates that the variant is pathogenic, but additional data are needed to prove that conclusively. Therefore, this variant has been classified as Likely Pathogenic.

Literature cited by the submitters: PubMed 16199547; PubMed 15141358; PubMed 16648375; PubMed 20461111.